The following is an entry in ClinVar:

NM_001011551.3(C1GALT1C1):c.105A>C (p.Arg35Ser)

Gene: C1GALT1C1 (C1GALT1 specific chaperone 1; minus strand). Cytogenetic location: Xq24.
Variant type: single nucleotide variant.
Coding change: c.105A>C on transcript NM_001011551.3 (MANE Select); coding-DNA position 105, A replaced by C.
Protein change: p.Arg35Ser; replaces arginine 35 with serine.
Molecular consequence: missense variant.
Genome position (GRCh38, 1-based): chrX:120,627,062, T>G on the plus strand (A>C on the coding strand, the complement: C1GALT1C1 is on the minus strand). VCF-style: chrX-120627062-T-G. GRCh37 (hg19) VCF-style: chrX-119760917-T-G.
Other names: c.105A>C, p.Arg35Ser (NM_152692.5); short protein forms R35S.
Identifiers: ClinVar variation 3624258 (VCV003624258.2).

ClinVar aggregate classification (germline): Uncertain significance (1 of 4 stars; one submission).

Conditions:
Polyagglutinable erythrocyte syndrome (TNPS). Also called: TN POLYAGGLUTINATION SYNDROME, SOMATIC; TN POLYAGGLUTINATION SYNDROME; GALACTOSYLTRANSFERASE DEFICIENCY. Identifiers: MedGen C0272137, MONDO:0010381, OMIM 300622.

gnomAD v4.1: 8 of 1,210,990 alleles (0.00066%); highest among the groups gnomAD compares: Non-Finnish European, 0.00078%; no homozygotes.

Submission:

Labcorp Genetics (formerly Invitae), Labcorp
Classification: Uncertain significance for Polyagglutinable erythrocyte syndrome. Last evaluated: 2025-12-25. Review status: criteria provided, single submitter. Criteria: Invitae Variant Classification Sherloc (09022015). Collection method: clinical testing. Allele origin: germline.
Comment: This sequence change replaces arginine, which is basic and polar, with serine, which is neutral and polar, at codon 35 of the C1GALT1C1 protein (p.Arg35Ser). This variant is not present in population databases (gnomAD no frequency). This variant has not been reported in the literature in individuals affected with C1GALT1C1-related conditions. ClinVar contains an entry for this variant (Variation ID: 3624258). An algorithm developed to predict the effect of missense changes on protein structure and function (PolyPhen-2) suggests that this variant is likely to be tolerated. In summary, the available evidence is currently insufficient to determine the role of this variant in disease. Therefore, it has been classified as a Variant of Uncertain Significance.